The following is an entry in ClinVar:

NM_170606.3(KMT2C):c.12887C>G (p.Pro4296Arg)

Gene: KMT2C (lysine methyltransferase 2C; minus strand). Cytogenetic location: 7q36.1.
Variant type: single nucleotide variant.
Coding change: c.12887C>G on transcript NM_170606.3 (MANE Select); coding-DNA position 12887, C replaced by G.
Protein change: p.Pro4296Arg; replaces proline 4296 with arginine.
Molecular consequence: missense variant.
Genome position (GRCh38, 1-based): chr7:152,149,040, G>C on the plus strand (C>G on the coding strand, the complement: KMT2C is on the minus strand). VCF-style: chr7-152149040-G-C. GRCh37 (hg19) VCF-style: chr7-151846125-G-C.
Other names: short protein forms P4296R.
Identifiers: ClinVar variation 3377685 (VCV003377685.1).

ClinVar aggregate classification (germline): Uncertain significance (1 of 4 stars; one submission).

Conditions:
Kleefstra syndrome 2 (KLEFS2). Identifiers: MedGen C4540395, MONDO:0054701, OMIM 617768.

gnomAD v4.1: 4 of 1,534,384 alleles (0.00026%); highest among the groups gnomAD compares: Non-Finnish European, 0.00035%; no homozygotes.

Submission:

Neuberg Centre For Genomic Medicine, NCGM
Classification: Uncertain significance for Kleefstra syndrome 2. Review status: criteria provided, single submitter. Criteria: ACMG Guidelines, 2015. Collection method: clinical testing. Allele origin: germline. Inheritance: Autosomal dominant inheritance. Affected: yes.
Comment: The missense variant c.12887C>G (p.Pro4296Arg) in the KMT2C gene has not been reported previously as a pathogenic variant nor as a benign variant, to our knowledge. This variant is absent in the gnomAD Exomes. The amino acid Pro at position 4296 is changed to a Arg changing protein sequence and it might alter its composition and physico-chemical properties. Computational evidence (Polyphen, SIFT and MutationTaster) predicts conflicting evidence on protein structure and function for this variant. The amino acid change p.Pro4296Arg in KMT2C is predicted as conserved by GERP++ and PhyloP across 100 vertebrates. For these reasons, this variant has been classified as Uncertain Significance.